The following is an entry in ClinVar:

ClinVar aggregate classification (germline): Uncertain significance (1 of 4 stars; one submission).

Submission:

GeneDx
Classification: Uncertain significance. Last evaluated: 2016-11-21. Review status: criteria provided, single submitter. Criteria: GeneDx Variant Classification (06012015). Collection method: clinical testing. Allele origin: germline. Affected: yes.
Comment: The M392V variant has not been published as a pathogenic variant, nor has it been reported as a benign variant to our knowledge. The variant was not observed in approximately 6,500 individuals of European and African American ancestry in the NHLBI Exome Sequencing Project, indicating it is not a common benign variant in these populations. M392V is a conservative amino acid substitution, which is not likely to impact secondary protein structure as these residues share similar properties. However, this substitution occurs at a position that is conserved across species. In silico analysis is inconsistent in its predictions as to whether or not the variant is damaging to the protein structure/function. Therefore, based on the currently available information, it is unclear whether this variant is a pathogenic variant or a rare benign variant.

NM_001363.5(DKC1):c.1174A>G (p.Met392Val)

Gene: DKC1 (dyskerin pseudouridine synthase 1; plus strand). Cytogenetic location: Xq28.
Variant type: single nucleotide variant.
Coding change: c.1174A>G on transcript NM_001363.5 (MANE Select); coding-DNA position 1174, A replaced by G.
Protein change: p.Met392Val; replaces methionine 392 with valine.
Molecular consequence: missense variant. On other transcripts: non-coding transcript variant (3).
Genome position (GRCh38, 1-based): chrX:154,774,620, A>G. VCF-style: chrX-154774620-A-G. GRCh37 (hg19) VCF-style: chrX-154002895-A-G.
Other names: c.1174A>G, p.Met392Val (NM_001142463.3, NM_001288747.2); short protein forms M392V.
Identifiers: ClinVar variation 373447 (VCV000373447.1), dbSNP rs1057518426, ClinGen allele CA16043199.